The following is an entry in ClinVar:

NM_000535.7(PMS2):c.1518C>T (p.Phe506=)

Gene: PMS2 (PMS1 homolog 2, mismatch repair system component; minus strand). Cytogenetic location: 7p22.1.
Variant type: single nucleotide variant.
Coding change: c.1518C>T on transcript NM_000535.7 (MANE Select); coding-DNA position 1518, C replaced by T.
Protein change: p.Phe506=; no amino-acid change (phenylalanine 506 retained).
Molecular consequence: synonymous variant. On other transcripts: non-coding transcript variant (1).
Genome position (GRCh38, 1-based): chr7:5,987,247, G>A on the plus strand (C>T on the coding strand, the complement: PMS2 is on the minus strand). VCF-style: chr7-5987247-G-A. GRCh37 (hg19) VCF-style: chr7-6026878-G-A.
Other names: c.1113C>T, p.Phe371= (NM_001322003.2, NM_001322004.2, NM_001322005.2 and 1 more transcripts); c.1362C>T, p.Phe454= (NM_001322006.2); c.1200C>T, p.Phe400= (NM_001322007.2, NM_001322008.2); c.957C>T, p.Phe319= (NM_001322010.2); c.585C>T, p.Phe195= (NM_001322011.2, NM_001322012.2); c.945C>T, p.Phe315= (NM_001322013.2); c.1518C>T, p.Phe506= (NM_001322014.2); c.1209C>T, p.Phe403= (NM_001322015.2).
Identifiers: ClinVar variation 484273 (VCV000484273.17), dbSNP rs1554297654, ClinGen allele CA453747650.

ClinVar aggregate classification (germline): Benign/Likely benign. Review status: criteria provided, multiple submitters, no conflicts (2 of 4 stars). 4 submissions from 4 submitters: Benign (1); Likely benign (3). Last evaluated 2025-04-02.

Conditions:
Hereditary cancer-predisposing syndrome. Also called: Neoplastic Syndromes, Hereditary; Tumor predisposition; Hereditary Cancer Syndrome; Hereditary neoplastic syndrome. Identifiers: Orphanet 140162, MedGen C0027672, MeSH D009386, MONDO:0015356.
Lynch syndrome 4 (LYNCH4). Also called: Colorectal cancer, hereditary nonpolyposis, type 4; Hereditary non-polyposis colorectal cancer, type 4. Identifiers: Orphanet 144, MedGen C1838333, MONDO:0013699, OMIM 614337. Disease mechanism: loss of function.
Hereditary nonpolyposis colorectal neoplasms. Identifiers: MedGen C0009405, MeSH D003123.

Allele frequency attached by ClinVar (database versions not stated): gnomAD exomes 0.00001.
gnomAD v4.1: 10 of 1,614,052 alleles (0.00062%); highest among the groups gnomAD compares: African/African-American, 0.0013%; no homozygotes.

Submissions (4):

Labcorp Genetics (formerly Invitae), Labcorp
Classification: Likely benign for Hereditary nonpolyposis colorectal neoplasms. Last evaluated: 2025-04-02. Review status: criteria provided, single submitter. Criteria: Invitae Variant Classification Sherloc (09022015). Collection method: clinical testing. Allele origin: germline.

Myriad Genetics, Inc.
Classification: Benign for Lynch syndrome 4. Last evaluated: 2025-01-30. Review status: criteria provided, single submitter. Criteria: Myriad Autosomal Dominant, Autosomal Recessive and X-Linked Classification Criteria (2023). Collection method: clinical testing. Allele origin: unknown.
Comment: This variant is considered benign. This variant is a silent/synonymous amino acid change and it is not expected to impact splicing.

Color Diagnostics, LLC DBA Color Health
Classification: Likely benign for Hereditary cancer-predisposing syndrome. Last evaluated: 2019-03-26. Review status: criteria provided, single submitter. Criteria: ACMG Guidelines, 2015. Collection method: clinical testing. Allele origin: germline.

Ambry Genetics
Classification: Likely benign for Hereditary cancer-predisposing syndrome. Last evaluated: 2016-04-14. Review status: criteria provided, single submitter. Criteria: Ambry Variant Classification Scheme 2023. Collection method: clinical testing. Allele origin: germline.